The following is an entry in ClinVar:

ClinVar aggregate classification (germline): Pathogenic. Review status: criteria provided, multiple submitters, no conflicts (2 of 4 stars). 4 submissions from 4 submitters: Pathogenic (2). 2 of the submissions do not count toward it. Last evaluated 2024-02-10.

Conditions:
MMUT-related disorder. Also called: MMUT-related condition.
Methylmalonic aciduria due to methylmalonyl-CoA mutase deficiency (MAMM). Also called: Methylmalonic aciduria, mut type. Identifiers: Orphanet 27, MedGen C1855114, MONDO:0009612, OMIM 251000.

Allele frequency attached by ClinVar (database versions not stated): gnomAD exomes below 0.00001.

Submissions (4):

Labcorp Genetics (formerly Invitae), Labcorp
Classification: Pathogenic. Last evaluated: 2024-02-10. Review status: criteria provided, single submitter. Criteria: Invitae Variant Classification Sherloc (09022015). Collection method: clinical testing. Allele origin: germline.
Comment: This sequence change creates a premature translational stop signal (p.Ala376Serfs*15) in the MUT gene. It is expected to result in an absent or disrupted protein product. Loss-of-function variants in MUT are known to be pathogenic (PMID: 15781192). This variant is not present in population databases (gnomAD no frequency). This premature translational stop signal has been observed in individual(s) with methylmalonic aciduria (PMID: 27591164). ClinVar contains an entry for this variant (Variation ID: 488555). For these reasons, this variant has been classified as Pathogenic.

Institute of Human Genetics Munich, TUM University Hospital
Classification: Pathogenic for Methylmalonic aciduria due to methylmalonyl-CoA mutase deficiency. Last evaluated: 2017-11-08. Review status: criteria provided, single submitter. Criteria: Classification criteria August 2017. Collection method: clinical testing. Allele origin: paternal. Inheritance: Autosomal recessive inheritance. Affected: yes. Observed: 1 compound heterozygote.

PreventionGenetics, part of Exact Sciences
Classification: Pathogenic for MMUT-related condition. Last evaluated: 2024-07-23. Review status: no assertion criteria provided. Collection method: clinical testing. Allele origin: germline. Not counted in ClinVar's aggregate classification.
Comment: The MMUT c.1126_1127delGC variant is predicted to result in a frameshift and premature protein termination (p.Ala376Serfs*15). This variant has been reported in the homozygous state in an individual with methylmalonic acidemia (Devi et al. 2017. PubMed ID: 27591164). This variant has not been reported in a large population database, indicating this variant is rare. Frameshift variants in MMUT are expected to be pathogenic. This variant is interpreted as pathogenic.

Counsyl
Classification: Likely pathogenic for Methylmalonic aciduria due to methylmalonyl-CoA mutase deficiency. Last evaluated: 2018-05-31. Review status: no assertion criteria provided. Collection method: clinical testing. Allele origin: unknown. Not counted in ClinVar's aggregate classification.

Literature cited by the submitters: PubMed 15781192 (cited by Labcorp Genetics (formerly Invitae), Labcorp); PubMed 27591164 (cited by Labcorp Genetics (formerly Invitae), Labcorp and Counsyl).

NM_000255.4(MMUT):c.1126_1127del (p.Ala376fs)

Gene: MMUT (methylmalonyl-CoA mutase; minus strand). Cytogenetic location: 6p12.3.
Variant type: Deletion.
Coding change: c.1126_1127del on transcript NM_000255.4 (MANE Select); coding-DNA positions 1126 to 1127, 2 bases deleted (GC; older notation c.1126_1127delGC).
Protein change: p.Ala376fs; shifts the reading frame from alanine 376.
Molecular consequence: frameshift variant.
Genome position (GRCh38, 1-based): chr6:49,451,671-49,451,672, GC deleted on the plus strand (GC on the coding strand, the reverse complement: MMUT is on the minus strand). VCF-style (leftmost placement, unchanged base first): chr6-49451670-TGC-T. GRCh37 (hg19) VCF-style: chr6-49419383-TGC-T.
Other names: short protein forms A376fs.
Identifiers: ClinVar variation 488555 (VCV000488555.11), dbSNP rs1554159950, ClinGen allele CA658683443.